The following is an entry in ClinVar:

ClinVar aggregate classification (germline): Likely benign. Review status: criteria provided, multiple submitters, no conflicts (2 of 4 stars). 3 submissions from 3 submitters: Likely benign (2). 1 of the submissions does not count toward it. Last evaluated 2026-05-01.

Conditions:
Fanconi anemia (FA). Also called: Fanconi's anemia. Identifiers: Orphanet 84, MedGen C0015625, MeSH D005199, MONDO:0019391.

Allele frequency attached by ClinVar (database versions not stated): gnomAD 0.00007 and 0.00008; gnomAD exomes 0.00007 and 0.00014; ExAC 0.00010; TOPMed 0.00015.
gnomAD v4.1: 112 of 1,614,052 alleles (0.0069%); highest among the groups gnomAD compares: Admixed American, 0.063%; no homozygotes.

Submissions (3):

CeGaT Center for Human Genetics Tuebingen
Classification: Likely benign. Last evaluated: 2026-05-01. Review status: criteria provided, single submitter. Criteria: CeGaT Center For Human Genetics Tuebingen Variant Classification Criteria Version 2. Collection method: clinical testing. Allele origin: germline. Affected: yes. Observed: 1 variant allele.
Comment: FANCA: BP4, BP7

Labcorp Genetics (formerly Invitae), Labcorp
Classification: Likely benign for Fanconi anemia. Last evaluated: 2025-07-30. Review status: criteria provided, single submitter. Criteria: Invitae Variant Classification Sherloc (09022015). Collection method: clinical testing. Allele origin: germline.

Natera, Inc.
Classification: Likely benign for Fanconi anemia. Last evaluated: 2020-02-27. Review status: no assertion criteria provided. Collection method: clinical testing. Allele origin: germline. Not counted in ClinVar's aggregate classification.

NM_000135.4(FANCA):c.4035C>T (p.Asp1345=)

Genes: FANCA (FA complementation group A; minus strand), ZNF276 (zinc finger protein 276; plus strand). Cytogenetic location: 16q24.3.
Variant type: single nucleotide variant.
Coding change: c.4035C>T on transcript NM_000135.4 (MANE Select); coding-DNA position 4035, C replaced by T.
Protein change: p.Asp1345=; no amino-acid change (aspartic acid 1345 retained).
Molecular consequence: synonymous variant. On other transcripts: 3 prime UTR variant (2), non-coding transcript variant (4).
Genome position (GRCh38, 1-based): chr16:89,739,265, G>A on the plus strand (C>T on the coding strand, the complement: FANCA is on the minus strand). VCF-style: chr16-89739265-G-A. GRCh37 (hg19) VCF-style: chr16-89805673-G-A.
Other names: c.*1019G>A (NM_001113525.2, NM_152287.4); c.4035C>T, p.Asp1345= (NM_001286167.3).
Identifiers: ClinVar variation 699582 (VCV000699582.14), dbSNP rs17227389, ClinGen allele CA8250806.